The following is an entry in ClinVar:

NM_002133.3(HMOX1):c.547C>T (p.Arg183Cys)

Gene: HMOX1 (heme oxygenase 1; plus strand). Cytogenetic location: 22q12.3.
Variant type: single nucleotide variant.
Coding change: c.547C>T on transcript NM_002133.3 (MANE Select); coding-DNA position 547, C replaced by T.
Protein change: p.Arg183Cys; replaces arginine 183 with cysteine.
Molecular consequence: missense variant.
Genome position (GRCh38, 1-based): chr22:35,387,087, C>T. VCF-style: chr22-35387087-C-T. GRCh37 (hg19) VCF-style: chr22-35783080-C-T.
Other names: p.Arg183Cys; short protein forms R183C.
Identifiers: ClinVar variation 2420953 (VCV002420953.3), dbSNP rs749644285, ClinGen allele CA10204745.

ClinVar aggregate classification (germline): Uncertain significance. Review status: criteria provided, multiple submitters, no conflicts (2 of 4 stars). 2 submissions from 2 submitters: Uncertain significance (2). Last evaluated 2024-03-06.

Allele frequency attached by ClinVar (database versions not stated): TOPMed 0.00004; gnomAD 0.00005.
gnomAD v4.1: 80 of 1,613,454 alleles (0.005%); highest among the groups gnomAD compares: East Asian, 0.013%; no homozygotes.

Submissions (2):

Mayo Clinic Laboratories, Mayo Clinic
Classification: Uncertain significance. Last evaluated: 2024-03-06. Review status: criteria provided, single submitter. Criteria: ACMG Guidelines, 2015. Collection method: clinical testing. Allele origin: germline. Observed: 2 variant alleles.
Comment: PM2_moderate

Labcorp Genetics (formerly Invitae), Labcorp
Classification: Uncertain significance. Last evaluated: 2022-05-15. Review status: criteria provided, single submitter. Criteria: Invitae Variant Classification Sherloc (09022015). Collection method: clinical testing. Allele origin: germline.
Comment: This sequence change replaces arginine, which is basic and polar, with cysteine, which is neutral and slightly polar, at codon 183 of the HMOX1 protein (p.Arg183Cys). The frequency data for this variant in the population databases is considered unreliable, as metrics indicate poor data quality at this position in the gnomAD database. This variant has not been reported in the literature in individuals affected with HMOX1-related conditions. Algorithms developed to predict the effect of missense changes on protein structure and function are either unavailable or do not agree on the potential impact of this missense change (SIFT: "Deleterious"; PolyPhen-2: "Probably Damaging"; Align-GVGD: "Class C15"). In summary, the available evidence is currently insufficient to determine the role of this variant in disease. Therefore, it has been classified as a Variant of Uncertain Significance.

Literature cited by the submitters: PubMed 37434323 (cited by Mayo Clinic Laboratories, Mayo Clinic).